The following is an entry in ClinVar:

ClinVar aggregate classification (germline): Uncertain significance (1 of 4 stars; one submission).

Submission:

Labcorp Genetics (formerly Invitae), Labcorp
Classification: Uncertain significance. Last evaluated: 2021-09-22. Review status: criteria provided, single submitter. Criteria: Invitae Variant Classification Sherloc (09022015). Collection method: clinical testing. Allele origin: germline.
Comment: This sequence change replaces glutamine with arginine at codon 581 of the ABCC6 protein (p.Gln581Arg). The glutamine residue is weakly conserved and there is a small physicochemical difference between glutamine and arginine. This variant is not present in population databases (ExAC no frequency). This missense change has been observed in individual(s) with clinical features of pseudoxanthoma elasticum (Invitae). In at least one individual the data is consistent with the variant being in trans (on the opposite chromosome) from a pathogenic variant. Algorithms developed to predict the effect of missense changes on protein structure and function (SIFT, PolyPhen-2, Align-GVGD) all suggest that this variant is likely to be tolerated. In summary, the available evidence is currently insufficient to determine the role of this variant in disease. Therefore, it has been classified as a Variant of Uncertain Significance.

NM_001171.6(ABCC6):c.1742A>G (p.Gln581Arg)

Gene: ABCC6 (ATP binding cassette subfamily C member 6; minus strand). Cytogenetic location: 16p13.11.
Variant type: single nucleotide variant.
Coding change: c.1742A>G on transcript NM_001171.6 (MANE Select); coding-DNA position 1742, A replaced by G.
Protein change: p.Gln581Arg; replaces glutamine 581 with arginine.
Molecular consequence: missense variant. On other transcripts: non-coding transcript variant (1).
Genome position (GRCh38, 1-based): chr16:16,188,868, T>C on the plus strand (A>G on the coding strand, the complement: ABCC6 is on the minus strand). VCF-style: chr16-16188868-T-C. GRCh37 (hg19) VCF-style: chr16-16282725-T-C.
Other names: c.1400A>G, p.Gln467Arg (NM_001351800.1); short protein forms Q467R, Q581R.
Identifiers: ClinVar variation 1417512 (VCV001417512.6), dbSNP rs1266600508, ClinGen allele CA394889294.